The following is an entry in ClinVar:

ClinVar aggregate classification (germline): Uncertain significance (1 of 4 stars; one submission).

gnomAD v4.1: 1 of 1,607,342 alleles (0.000062%); highest among the groups gnomAD compares: East Asian, 0.0022%; no homozygotes.

Submission:

Labcorp Genetics (formerly Invitae), Labcorp
Classification: Uncertain significance. Last evaluated: 2024-06-26. Review status: criteria provided, single submitter. Criteria: Invitae Variant Classification Sherloc (09022015). Collection method: clinical testing. Allele origin: germline.
Comment: This sequence change falls in intron 13 of the CFH gene. It does not directly change the encoded amino acid sequence of the CFH protein. It affects a nucleotide within the consensus splice site. This variant is not present in population databases (gnomAD no frequency). This variant has not been reported in the literature in individuals affected with CFH-related conditions. Variants that disrupt the consensus splice site are a relatively common cause of aberrant splicing (PMID: 17576681, 9536098). Algorithms developed to predict the effect of sequence changes on RNA splicing suggest that this variant may disrupt the consensus splice site. In summary, the available evidence is currently insufficient to determine the role of this variant in disease. Therefore, it has been classified as a Variant of Uncertain Significance.

Literature cited by the submitters: PubMed 17576681; PubMed 9536098.

NM_000186.4(CFH):c.2056+3A>G

Gene: CFH (complement factor H; plus strand). Cytogenetic location: 1q31.3.
Variant type: single nucleotide variant.
Coding change: c.2056+3A>G on transcript NM_000186.4 (MANE Select); 3 bases into the intron after coding-DNA position 2056, A replaced by G.
Molecular consequence: intron variant.
Genome position (GRCh38, 1-based): chr1:196,726,655, A>G. VCF-style: chr1-196726655-A-G. GRCh37 (hg19) VCF-style: chr1-196695785-A-G.
Identifiers: ClinVar variation 3657994 (VCV003657994.2).